The following is an entry in ClinVar:

ClinVar aggregate classification (germline): Pathogenic (1 of 4 stars; one submission).

Submission:

GeneDx
Classification: Pathogenic. Last evaluated: 2017-05-12. Review status: criteria provided, single submitter. Criteria: GeneDx Variant Classification (06012015). Collection method: clinical testing. Allele origin: germline. Affected: yes.
Comment: The K1186T variant in the KMT2A gene has not been reported previously as a pathogenic variantnor as a benign variant, to our knowledge. The K1186T variant is not observed in large populationcohorts (Lek et al., 2016; 1000 Genomes Consortium et al., 2015; Exome Variant Server). TheK1186T variant is a semi-conservative amino acid substitution, which may impact secondary proteinstructure as these residues differ in some properties. This substitution occurs at a position that isconserved across species. In silico analysis predicts this variant is probably damaging to the proteinstructure/function. A missense variant in nearby residues (C1189Y) has been reported in the HumanGene Mutation Database in association with Wiedemann-Steiner syndrome (Stenson et al., 2014),supporting the functional importance of this region of the protein. We interpret K1186T as apathogenic variant.

NM_001197104.2(KMT2A):c.3557A>C (p.Lys1186Thr)

Gene: KMT2A (lysine methyltransferase 2A; plus strand). Cytogenetic location: 11q23.3.
Variant type: single nucleotide variant.
Coding change: c.3557A>C on transcript NM_001197104.2 (MANE Select); coding-DNA position 3557, A replaced by C.
Protein change: p.Lys1186Thr; replaces lysine 1186 with threonine.
Molecular consequence: missense variant.
Genome position (GRCh38, 1-based): chr11:118,478,189, A>C. VCF-style: chr11-118478189-A-C. GRCh37 (hg19) VCF-style: chr11-118348904-A-C.
Other names: c.3557A>C, p.Lys1186Thr (NM_005933.4); short protein forms K1186T.
Identifiers: ClinVar variation 432267 (VCV000432267.2), dbSNP rs1555038122, ClinGen allele CA382825218.